The following is an entry in ClinVar:

ClinVar aggregate classification (germline): Benign. Review status: criteria provided, multiple submitters, no conflicts (2 of 4 stars). 2 submissions from 2 submitters: Benign (2). Last evaluated 2018-06-18.

Allele frequency attached by ClinVar (database versions not stated): gnomAD exomes 0.15800; 1000 Genomes Project 30x 0.20081; 1000 Genomes Project 0.20507; gnomAD 0.20759 and 0.20841; TOPMed 0.20768.
gnomAD v4.1: 116,246 of 689,468 alleles (17%); highest among the groups gnomAD compares: East Asian, 29%; 13,271 homozygotes.

Submissions (2):

GeneDx
Classification: Benign. Last evaluated: 2018-06-18. Review status: criteria provided, single submitter. Criteria: GeneDx Variant Classification (06012015). Collection method: clinical testing. Allele origin: germline. Affected: yes.
Comment: This variant is considered likely benign or benign based on one or more of the following criteria: it is a conservative change, it occurs at a poorly conserved position in the protein, it is predicted to be benign by multiple in silico algorithms, and/or has population frequency not consistent with disease.

Breakthrough Genomics
Classification: Benign. Review status: criteria provided, single submitter. Criteria: ACMG Guidelines, 2015. Collection method: not provided. Allele origin: germline. Inheritance: Autosomal dominant inheritance. Affected: yes.

NM_000093.5(COL5A1):c.1720-111G>A

Gene: COL5A1 (collagen type V alpha 1 chain; plus strand). Cytogenetic location: 9q34.3.
Variant type: single nucleotide variant.
Coding change: c.1720-111G>A on transcript NM_000093.5 (MANE Select); 111 bases into the intron before coding-DNA position 1720, G replaced by A.
Molecular consequence: intron variant.
Genome position (GRCh38, 1-based): chr9:134,753,739, G>A. VCF-style: chr9-134753739-G-A. GRCh37 (hg19) VCF-style: chr9-137645585-G-A.
Other names: c.1720-111G>A (NM_001278074.1).
Identifiers: ClinVar variation 673787 (VCV000673787.2), dbSNP rs73558066, ClinGen allele CA13060254.